The following is an entry in ClinVar:

ClinVar aggregate classification (germline): Benign/Likely benign. Review status: criteria provided, multiple submitters, no conflicts (2 of 4 stars). 18 submissions from 14 submitters: Benign (10); Likely benign (4). 4 of the submissions do not count toward it. Last evaluated 2026-01-26.

Conditions:
FGFR2-related craniosynostosis. Identifiers: MedGen CN231480.
Craniosynostosis syndrome. Also called: Craniosynostosis. Identifiers: Orphanet 1531, MedGen C0010278, MeSH D003398, MONDO:0015469, HP:0001363.
Isolated Coronal Synostosis. Identifiers: MedGen CN043619.
Beare-Stevenson cutis gyrata syndrome (BSTVS). Identifiers: Orphanet 1555, MedGen C1852406, MONDO:0007412, OMIM 123790.
Crouzon syndrome. Also called: Craniofacial dysostosis type 1; Crouzon craniofacial dysostosis; Crouzon disease; CRANIOFACIAL DYSOSTOSIS, TYPE I; Craniofacial dysostosis. Identifiers: Orphanet 207, MedGen C0010273, MeSH D003394, MONDO:0007405, OMIM 123500, HP:0004439.
Saethre-Chotzen syndrome (SCS). Also called: ACROCEPHALY, SKULL ASYMMETRY, AND MILD SYNDACTYLY; ACS III; CHOTZEN SYNDROME. Identifiers: Orphanet 794, MedGen C0175699, MONDO:0007042, OMIM 101400.

Allele frequency attached by ClinVar (database versions not stated): gnomAD 0.00271 and 0.00322; TOPMed 0.00275; ESP Exome Variant Server 0.00308; gnomAD exomes 0.00480 and 0.00485; ExAC 0.00494; 1000 Genomes Project 30x 0.00547; 1000 Genomes Project 0.00619.
gnomAD v4.1: 7,578 of 1,614,166 alleles (0.47%); highest among the groups gnomAD compares: South Asian, 2.1%; 48 homozygotes.

Submissions (18):

Labcorp Genetics (formerly Invitae), Labcorp
Classification: Benign for FGFR2-related craniosynostosis. Last evaluated: 2026-01-26. Review status: criteria provided, single submitter. Criteria: Invitae Variant Classification Sherloc (09022015). Collection method: clinical testing. Allele origin: germline.

Mayo Clinic Laboratories, Mayo Clinic
Classification: Benign. Last evaluated: 2025-07-27. Review status: criteria provided, single submitter. Criteria: ACMG Guidelines, 2015. Collection method: clinical testing. Allele origin: germline. Observed: 2 variant alleles.
Comment: BS1, BS2, BP4_moderate

ARUP Laboratories, Molecular Genetics and Genomics, ARUP Laboratories
Classification: Benign. Last evaluated: 2023-11-11. Review status: criteria provided, single submitter. Criteria: ARUP Molecular Germline Variant Investigation Process 2024. Collection method: clinical testing. Allele origin: germline.

GeneDx
Classification: Benign. Last evaluated: 2019-08-27. Review status: criteria provided, single submitter. Criteria: GeneDx Variant Classification Process June 2021. Collection method: clinical testing. Allele origin: germline. Affected: yes.
Comment: This variant is associated with the following publications: (PMID: 16912704, 24728327, 11781872, 23754559, 26429889)

Athena Diagnostics
Classification: Benign. Last evaluated: 2018-08-30. Review status: criteria provided, single submitter. Criteria: Athena Diagnostics Criteria. Collection method: clinical testing. Allele origin: germline.

Illumina Laboratory Services, Illumina
Classification: Benign for Crouzon syndrome. Last evaluated: 2018-01-13. Review status: criteria provided, single submitter. Criteria: ICSL Variant Classification Criteria 13 December 2019. Collection method: clinical testing. Allele origin: germline.
Comment: This variant was observed in the ICSL laboratory as part of a predisposition screen in an ostensibly healthy population. It had not been previously curated by ICSL or reported in the Human Gene Mutation Database (HGMD: prior to June 1st, 2018), and was therefore a candidate for classification through an automated scoring system. Utilizing variant allele frequency, disease prevalence and penetrance estimates, and inheritance mode, an automated score was calculated to assess if this variant is too frequent to cause the disease. Based on the score and internal cut-off values, a variant classified as benign is not then subjected to further curation. The score for this variant resulted in a classification of benign for this disease.

Illumina Laboratory Services, Illumina
Classification: Likely benign for Isolated coronal synostosis. Last evaluated: 2018-01-13. Review status: criteria provided, single submitter. Criteria: ICSL Variant Classification Criteria 13 December 2019. Collection method: clinical testing. Allele origin: germline.
Comment: This variant was observed in the ICSL laboratory as part of a predisposition screen in an ostensibly healthy population. It had not been previously curated by ICSL or reported in the Human Gene Mutation Database (HGMD: prior to June 1st, 2018), and was therefore a candidate for classification through an automated scoring system. Utilizing variant allele frequency, disease prevalence and penetrance estimates, and inheritance mode, an automated score was calculated to assess if this variant is too frequent to cause the disease. Based on the score and internal cut-off values, a variant classified as likely benign is not then subjected to further curation. The score for this variant resulted in a classification of likely benign for this disease.

Illumina Laboratory Services, Illumina
Classification: Benign for Craniosynostosis. Last evaluated: 2018-01-13. Review status: criteria provided, single submitter. Criteria: ICSL Variant Classification Criteria 13 December 2019. Collection method: clinical testing. Allele origin: germline.
Comment: the same text as in the submission from Illumina Laboratory Services, Illumina above.

Illumina Laboratory Services, Illumina
Classification: Benign for Saethre-Chotzen syndrome. Last evaluated: 2018-01-13. Review status: criteria provided, single submitter. Criteria: ICSL Variant Classification Criteria 13 December 2019. Collection method: clinical testing. Allele origin: germline.
Comment: the same text as in the submission from Illumina Laboratory Services, Illumina above.

Illumina Laboratory Services, Illumina
Classification: Benign for Beare-Stevenson cutis gyrata syndrome. Last evaluated: 2018-01-13. Review status: criteria provided, single submitter. Criteria: ICSL Variant Classification Criteria 13 December 2019. Collection method: clinical testing. Allele origin: germline.
Comment: the same text as in the submission from Illumina Laboratory Services, Illumina above.

Center for Pediatric Genomic Medicine, Children's Mercy Hospital and Clinics
Classification: Likely benign. Last evaluated: 2016-09-22. Review status: criteria provided, single submitter. Criteria: ACMG Guidelines, 2015. Collection method: clinical testing. Allele origin: germline.
ClinVar note: Converted during submission from Likely Benign to Likely benign.

Eurofins Ntd Llc (ga)
Classification: Benign. Last evaluated: 2016-01-12. Review status: criteria provided, single submitter. Criteria: EGL Classification Definitions 2015. Collection method: clinical testing. Allele origin: germline. Observed: 1 variant allele, 1 heterozygote.

Breakthrough Genomics
Classification: Likely benign. Review status: criteria provided, single submitter. Criteria: ACMG Guidelines, 2015. Collection method: not provided. Allele origin: germline. Inheritance: Autosomal dominant inheritance. Affected: yes.

PreventionGenetics, part of Exact Sciences
Classification: Likely benign. Review status: criteria provided, single submitter. Criteria: ACMG Guidelines, 2015. Collection method: clinical testing. Allele origin: germline.

ITMI
No classification provided. Condition: AllHighlyPenetrant. Last evaluated: 2013-09-19. Review status: no classification provided. Collection method: reference population. Allele origin: germline. Not counted in ClinVar's aggregate classification.
Comment: Please see associated publication for description of ethnicities

Genome Diagnostics Laboratory, Amsterdam University Medical Center
Classification: Benign. Review status: no assertion criteria provided. Collection method: clinical testing. Allele origin: germline. Affected: yes. Study: VKGL Data-share Consensus. Not counted in ClinVar's aggregate classification.

Genome Diagnostics Laboratory, University Medical Center Utrecht
Classification: Benign. Review status: no assertion criteria provided. Collection method: clinical testing. Allele origin: germline. Affected: yes. Study: VKGL Data-share Consensus. Not counted in ClinVar's aggregate classification.

Laboratory of Diagnostic Genome Analysis, Leiden University Medical Center (LUMC)
Classification: Likely benign. Review status: no assertion criteria provided. Collection method: clinical testing. Allele origin: germline. Affected: yes. Study: VKGL Data-share Consensus. Not counted in ClinVar's aggregate classification.

Literature cited by the submitters: PubMed 24728327 (cited by Athena Diagnostics and ITMI); PubMed 11781872 (cited by Athena Diagnostics); PubMed 26429889 (cited by Athena Diagnostics).

NM_000141.5(FGFR2):c.170C>T (p.Ser57Leu)

Gene: FGFR2 (fibroblast growth factor receptor 2; minus strand). Cytogenetic location: 10q26.13.
Variant type: single nucleotide variant.
Coding change: c.170C>T on transcript NM_000141.5 (MANE Select); coding-DNA position 170, C replaced by T.
Protein change: p.Ser57Leu; replaces serine 57 with leucine.
Molecular consequence: missense variant. On other transcripts: intron variant (9).
Genome position (GRCh38, 1-based): chr10:121,565,644, G>A on the plus strand (C>T on the coding strand, the complement: FGFR2 is on the minus strand). VCF-style: chr10-121565644-G-A. GRCh37 (hg19) VCF-style: chr10-123325158-G-A.
Other names: c.170C>T, p.Ser57Leu (NM_001144913.1, NM_001144914.1, NM_001144917.2 and 3 more transcripts); c.110-14185C>T (NM_001144918.2, NM_001441091.1, NM_001441090.1 and 1 more transcripts); c.110-1065C>T (NM_001441089.1, NM_023029.3, NM_001441088.1 and 2 more transcripts); short protein forms S57L.
Identifiers: ClinVar variation 134390 (VCV000134390.35), dbSNP rs56226109, ClinGen allele CA159671.